The following is an entry in ClinVar:

ClinVar aggregate classification (germline): Uncertain significance (1 of 4 stars; one submission).

Conditions:
Autosomal recessive severe congenital neutropenia due to CSF3R deficiency. Also called: Neutropenia, severe congenital, 7, autosomal recessive. Identifiers: Orphanet 420702, MedGen C4310764, MONDO:0014865, OMIM 617014.

Submission:

Labcorp Genetics (formerly Invitae), Labcorp
Classification: Uncertain significance for Autosomal recessive severe congenital neutropenia due to CSF3R deficiency. Last evaluated: 2024-03-12. Review status: criteria provided, single submitter. Criteria: Invitae Variant Classification Sherloc (09022015). Collection method: clinical testing. Allele origin: germline.
Comment: This sequence change creates a premature translational stop signal (p.Tyr787*) in the CSF3R gene. While this is not anticipated to result in nonsense mediated decay, it is expected to disrupt the last 50 amino acid(s) of the CSF3R protein. This variant is not present in population databases (gnomAD no frequency). This variant has not been reported in the literature in individuals affected with CSF3R-related conditions. Experimental studies and prediction algorithms are not available or were not evaluated, and the functional significance of this variant is currently unknown. In summary, the available evidence is currently insufficient to determine the role of this variant in disease. Therefore, it has been classified as a Variant of Uncertain Significance.

NM_000760.4(CSF3R):c.2361T>A (p.Tyr787Ter)

Gene: CSF3R (colony stimulating factor 3 receptor; minus strand). Cytogenetic location: 1p34.3.
Variant type: single nucleotide variant.
Coding change: c.2361T>A on transcript NM_000760.4 (MANE Select); coding-DNA position 2361, T replaced by A.
Protein change: p.Tyr787Ter; replaces tyrosine 787 with a stop codon.
Molecular consequence: nonsense. On other transcripts: intron variant (1).
Genome position (GRCh38, 1-based): chr1:36,466,507, A>T on the plus strand (T>A on the coding strand, the complement: CSF3R is on the minus strand). VCF-style: chr1-36466507-A-T. GRCh37 (hg19) VCF-style: chr1-36932108-A-T.
Other names: c.2442T>A, p.Tyr814Ter (NM_156039.3); c.2247+114T>A (NM_172313.3); short protein forms Y814*, Y787*.
Identifiers: ClinVar variation 3645497 (VCV003645497.2).